The following is an entry in ClinVar:

ClinVar aggregate classification (germline): Uncertain significance (1 of 4 stars; one submission).

Conditions:
Inborn genetic diseases. Identifiers: MedGen C0950123, MeSH D030342.

gnomAD v4.1: 6 of 1,598,150 alleles (0.00038%); highest among the groups gnomAD compares: East Asian, 0.0089%; no homozygotes.

Submission:

Ambry Genetics
Classification: Uncertain significance for Inborn genetic diseases. Last evaluated: 2026-02-26. Review status: criteria provided, single submitter. Criteria: Ambry Variant Classification Scheme 2023. Collection method: clinical testing. Allele origin: germline.
Comment: The c.146G>A (p.G49E) alteration is located in exon 3 (coding exon 2) of the HERC2 gene. This alteration results from a G to A substitution at nucleotide position 146, causing the glycine (G) at amino acid position 49 to be replaced by a glutamic acid (E). Based on data from gnomAD, the A allele has an overall frequency of 0.002% (5/250496) total alleles studied. The highest observed frequency was 0.022% (4/18368) of East Asian alleles. Based on insufficient or conflicting evidence, the clinical significance of this alteration remains unclear.

NM_004667.6(HERC2):c.146G>A (p.Gly49Glu)

Gene: HERC2 (HECT and RLD domain containing E3 ubiquitin protein ligase 2; minus strand). Cytogenetic location: 15q13.1.
Variant type: single nucleotide variant.
Coding change: c.146G>A on transcript NM_004667.6 (MANE Select); coding-DNA position 146, G replaced by A.
Protein change: p.Gly49Glu; replaces glycine 49 with glutamic acid.
Molecular consequence: missense variant.
Genome position (GRCh38, 1-based): chr15:28,299,443, C>T on the plus strand (G>A on the coding strand, the complement: HERC2 is on the minus strand). VCF-style: chr15-28299443-C-T. GRCh37 (hg19) VCF-style: chr15-28544589-C-T.
Other names: short protein forms G49E.
Identifiers: ClinVar variation 4840558 (VCV004840558.1).